The following is an entry in ClinVar:

ClinVar aggregate classification (germline): Uncertain significance (1 of 4 stars; one submission).

gnomAD v4.1: 1 of 1,612,316 alleles (0.000062%); no homozygotes.

Submission:

GeneDx
Classification: Uncertain significance. Last evaluated: 2025-01-08. Review status: criteria provided, single submitter. Criteria: GeneDx Variant Classification Process June 2021. Collection method: clinical testing. Allele origin: germline. Affected: yes.
Comment: Not observed at significant frequency in large population cohorts (gnomAD); In silico analysis supports that this missense variant has a deleterious effect on protein structure/function; Has not been previously published as pathogenic or benign to our knowledge

NM_001348323.3(TRIP12):c.5096T>G (p.Val1699Gly)

Gene: TRIP12 (thyroid hormone receptor interactor 12; minus strand). Cytogenetic location: 2q36.3.
Variant type: single nucleotide variant.
Coding change: c.5096T>G on transcript NM_001348323.3 (MANE Select); coding-DNA position 5096, T replaced by G.
Protein change: p.Val1699Gly; replaces valine 1699 with glycine.
Molecular consequence: missense variant.
Genome position (GRCh38, 1-based): chr2:229,778,989, A>C on the plus strand (T>G on the coding strand, the complement: TRIP12 is on the minus strand). VCF-style: chr2-229778989-A-C. GRCh37 (hg19) VCF-style: chr2-230643705-A-C.
Other names: c.5015T>G, p.Val1672Gly (NM_001284214.2, NM_001348315.2); c.4970T>G, p.Val1657Gly (NM_001284215.2, NM_001348316.2); c.4061T>G, p.Val1354Gly (NM_001284216.2); c.4955T>G, p.Val1652Gly (NM_001348317.1, NM_001348318.2); c.5081T>G, p.Val1694Gly (NM_001348319.1, NM_001348320.2); c.5084T>G, p.Val1695Gly (NM_001348321.1); c.5096T>G, p.Val1699Gly (NM_001348322.1, NM_001348324.2, NM_001348325.2 and 2 more transcripts); c.5099T>G, p.Val1700Gly (NM_001348328.1, NM_001348329.2, NM_001348330.2); and 4 more; short protein forms V1354G, V1624G, V1625G, V1652G, V1657G, V1665G, V1672G, V1673G.
Identifiers: ClinVar variation 4057089 (VCV004057089.1).
Genomic context (GRCh38, chr2:229,778,989, plus strand): 5'-CTCTGTAGTTCCTGAGATACAAGCGCATAAAACTCCAGTGTAGGCCCAAGACCTGTACCA[A>C]CCTACAGAAGAACACAAGTAGAACGATTTCAAATTTTAAGAATTGTGTTTTTTTACTGCC-3'
Protein context (NP_001335252.1, residues 1689-1709): AMLEIQYENE[Val1699Gly]GTGLGPTLEF